The following is an entry in ClinVar:

ClinVar aggregate classification (germline): Likely benign (0 of 4 stars; one submission).

Conditions:
ARMC5-related disorder. Also called: ARMC5-related condition.

Allele frequency attached by ClinVar (database versions not stated): gnomAD 0.00003; 1000 Genomes Project 30x 0.00016; 1000 Genomes Project 0.00020.
gnomAD v4.1: 52 of 1,609,286 alleles (0.0032%); highest among the groups gnomAD compares: South Asian, 0.052%; no homozygotes.

Submission:

PreventionGenetics, part of Exact Sciences
Classification: Likely benign for ARMC5-related condition. Last evaluated: 2019-07-30. Review status: no assertion criteria provided. Collection method: clinical testing. Allele origin: germline.
Comment: This variant is classified as likely benign based on ACMG/AMP sequence variant interpretation guidelines (Richards et al. 2015 PMID: 25741868, with internal and published modifications).

NM_001105247.2(ARMC5):c.723G>T (p.Pro241=)

Gene: ARMC5 (armadillo repeat containing 5; plus strand). Cytogenetic location: 16p11.2.
Variant type: single nucleotide variant.
Coding change: c.723G>T on transcript NM_001105247.2 (MANE Select); coding-DNA position 723, G replaced by T.
Protein change: p.Pro241=; no amino-acid change (proline 241 retained).
Molecular consequence: synonymous variant.
Genome position (GRCh38, 1-based): chr16:31,462,270, G>T. VCF-style: chr16-31462270-G-T. GRCh37 (hg19) VCF-style: chr16-31473591-G-T.
Other names: c.1008G>T, p.Pro336= (NM_001288767.2); c.819G>T, p.Pro273= (NM_001301820.1); c.723G>T, p.Pro241= (NM_024742.2).
Identifiers: ClinVar variation 3035249 (VCV003035249.2), dbSNP rs533167546, ClinGen allele CA8029542.
Genomic context (GRCh38, chr16:31,462,270, plus strand): 5'-TAACCTGGCAGACTCACCCCAGCACCGCCTGGCCTTGGCACAGCAGGGAGCAGTGCGTCC[G>T]CTGGCCGAGCTCCTGGCCACTGCCCCAGATGCTGCACTGACCTTAGCCCTCGTCCGTGCC-3'
Protein context (NP_001098717.1, residues 231-251): LALAQQGAVR[Pro241=]LAELLATAPD